The following is an entry in ClinVar:

NM_000302.4(PLOD1):c.363G>C (p.Arg121Ser)

Gene: PLOD1 (procollagen-lysine,2-oxoglutarate 5-dioxygenase 1; plus strand). Cytogenetic location: 1p36.22.
Variant type: single nucleotide variant.
Coding change: c.363G>C on transcript NM_000302.4 (MANE Select); coding-DNA position 363, G replaced by C.
Protein change: p.Arg121Ser; replaces arginine 121 with serine.
Molecular consequence: missense variant.
Genome position (GRCh38, 1-based): chr1:11,950,417, G>C. VCF-style: chr1-11950417-G-C. GRCh37 (hg19) VCF-style: chr1-12010474-G-C.
Other names: c.504G>C, p.Arg168Ser (NM_001316320.2); c.363G>C (NM_000302.3); short protein forms R168S, R121S.
Identifiers: ClinVar variation 1496415 (VCV001496415.8), dbSNP rs768422539, ClinGen allele CA597886.

ClinVar aggregate classification (germline): Uncertain significance. Review status: criteria provided, multiple submitters, no conflicts (2 of 4 stars). 2 submissions from 2 submitters: Uncertain significance (2). Last evaluated 2025-08-12.

Conditions:
Familial thoracic aortic aneurysm and aortic dissection (TAAD). Also called: Thoracic aortic aneurysms and dissections. Identifiers: Orphanet 91387, MedGen C4707243, MONDO:0019625.
Ehlers-Danlos syndrome, kyphoscoliotic type 1 (EDSKSCL1). Also called: EHLERS-DANLOS SYNDROME, OCULAR-SCOLIOTIC TYPE; PLOD1-Related Kyphoscoliotic Ehlers-Danlos Syndrome; Ehlers-Danlos syndrome, hydroxylysine-deficient; EHLERS-DANLOS SYNDROME, TYPE VIA. Identifiers: Orphanet 1900, MedGen C0268342, MONDO:0016002, OMIM 225400. Disease mechanism: loss of function.

Allele frequency attached by ClinVar (database versions not stated): ExAC 0.00001; gnomAD 0.00001; gnomAD exomes 0.00001; TOPMed 0.00001.
gnomAD v4.1: 7 of 1,614,068 alleles (0.00043%); highest among the groups gnomAD compares: Non-Finnish European, 0.000085%; no homozygotes.

Submissions (2):

Ambry Genetics
Classification: Uncertain significance for Familial thoracic aortic aneurysm and aortic dissection. Last evaluated: 2025-08-12. Review status: criteria provided, single submitter. Criteria: Ambry Variant Classification Scheme 2023. Collection method: clinical testing. Allele origin: germline.
Comment: The p.R121S variant (also known as c.363G>C), located in coding exon 4 of the PLOD1 gene, results from a G to C substitution at nucleotide position 363. The arginine at codon 121 is replaced by serine, an amino acid with dissimilar properties. This amino acid position is conserved. In addition, this alteration is predicted to be tolerated by in silico analysis. Since supporting evidence is limited at this time, the clinical significance of this alteration remains unclear.

Labcorp Genetics (formerly Invitae), Labcorp
Classification: Uncertain significance for Ehlers-Danlos syndrome, kyphoscoliotic type 1. Last evaluated: 2022-06-16. Review status: criteria provided, single submitter. Criteria: Invitae Variant Classification Sherloc (09022015). Collection method: clinical testing. Allele origin: germline.
Comment: This sequence change replaces arginine, which is basic and polar, with serine, which is neutral and polar, at codon 121 of the PLOD1 protein (p.Arg121Ser). This variant is present in population databases (rs768422539, gnomAD 0.02%). This variant has not been reported in the literature in individuals affected with PLOD1-related conditions. Algorithms developed to predict the effect of missense changes on protein structure and function (SIFT, PolyPhen-2, Align-GVGD) all suggest that this variant is likely to be tolerated. In summary, the available evidence is currently insufficient to determine the role of this variant in disease. Therefore, it has been classified as a Variant of Uncertain Significance.